The following is an entry in ClinVar:

ClinVar aggregate classification (germline): Benign. Review status: criteria provided, single submitter (1 of 4 stars). 2 submissions from 2 submitters: Benign (1). 1 of the submissions does not count toward it. Last evaluated 2022-05-01.

Conditions:
UBR4-related disorder. Also called: UBR4-related condition.

Allele frequency attached by ClinVar (database versions not stated): gnomAD exomes 0.00105; ESP Exome Variant Server 0.00169; gnomAD 0.00432; TOPMed 0.00488; ExAC 0.00743; 1000 Genomes Project 0.00819; 1000 Genomes Project 30x 0.00843.
gnomAD v4.1: 2,111 of 1,449,006 alleles (0.15%); highest among the groups gnomAD compares: African/African-American, 1.3%; 17 homozygotes.

Submissions (2):

CeGaT Center for Human Genetics Tuebingen
Classification: Benign. Last evaluated: 2022-05-01. Review status: criteria provided, single submitter. Criteria: CeGaT Center For Human Genetics Tuebingen Variant Classification Criteria Version 2. Collection method: clinical testing. Allele origin: germline. Affected: yes. Observed: 1 variant allele.
Comment: UBR4: BS1, BS2

PreventionGenetics, part of Exact Sciences
Classification: Benign for UBR4-related condition. Last evaluated: 2019-02-22. Review status: no assertion criteria provided. Collection method: clinical testing. Allele origin: germline. Not counted in ClinVar's aggregate classification.
Comment: This variant is classified as benign based on ACMG/AMP sequence variant interpretation guidelines (Richards et al. 2015 PMID: 25741868, with internal and published modifications).

NM_020765.3(UBR4):c.-4G>A

Genes: UBR4 (ubiquitin protein ligase E3 component n-recognin 4; minus strand), LOC129929564 (ATAC-STARR-seq lymphoblastoid silent region 350; plus strand). Cytogenetic location: 1p36.13.
Variant type: single nucleotide variant.
Coding change: c.-4G>A on transcript NM_020765.3 (MANE Select); 4 bases upstream of the start codon, G replaced by A.
Molecular consequence: 5 prime UTR variant.
Genome position (GRCh38, 1-based): chr1:19,210,252, C>T on the plus strand (G>A on the coding strand, the complement: UBR4 is on the minus strand). VCF-style: chr1-19210252-C-T. GRCh37 (hg19) VCF-style: chr1-19536746-C-T.
Other names: c.-4G>A (NM_020765.2).
Identifiers: ClinVar variation 2638429 (VCV002638429.25), dbSNP rs112584987, ClinGen allele CA652080.